The following is an entry in ClinVar:

ClinVar aggregate classification (germline): Uncertain significance. Review status: criteria provided, multiple submitters, no conflicts (2 of 4 stars). 2 submissions from 2 submitters: Uncertain significance (2). Last evaluated 2025-12-22.

Conditions:
Hypertrophic cardiomyopathy. Also called: HYPERTROPHIC MYOCARDIOPATHY. Identifiers: Orphanet 217569, MedGen C0007194, MeSH D002312, MONDO:0005045, HP:0001639.

Submissions (2):

Labcorp Genetics (formerly Invitae), Labcorp
Classification: Uncertain significance for Hypertrophic cardiomyopathy. Last evaluated: 2025-12-22. Review status: criteria provided, single submitter. Criteria: Invitae Variant Classification Sherloc (09022015). Collection method: clinical testing. Allele origin: germline.
Comment: This sequence change replaces alanine, which is neutral and non-polar, with aspartic acid, which is acidic and polar, at codon 393 of the MYH7 protein (p.Ala393Asp). This variant is not present in population databases (gnomAD no frequency). This variant has not been reported in the literature in individuals affected with MYH7-related conditions. ClinVar contains an entry for this variant (Variation ID: 1315955). Invitae Evidence Modeling of protein sequence and biophysical properties (such as structural, functional, and spatial information, amino acid conservation, physicochemical variation, residue mobility, and thermodynamic stability) indicates that this missense variant is expected to disrupt MYH7 protein function with a positive predictive value of 95%. In summary, the available evidence is currently insufficient to determine the role of this variant in disease. Therefore, it has been classified as a Variant of Uncertain Significance.

GeneDx
Classification: Uncertain significance. Last evaluated: 2022-11-30. Review status: criteria provided, single submitter. Criteria: GeneDx Variant Classification Process June 2021. Collection method: clinical testing. Allele origin: germline. Affected: yes.
Comment: Has not been previously published as pathogenic or benign to our knowledge; Not observed at significant frequency in large population cohorts (gnomAD); In silico analysis supports that this missense variant has a deleterious effect on protein structure/function; This variant is associated with the following publications: (PMID: 27532257, 29300372)

NM_000257.4(MYH7):c.1178C>A (p.Ala393Asp)

Gene: MYH7 (myosin heavy chain 7; minus strand). Cytogenetic location: 14q11.2.
Variant type: single nucleotide variant.
Coding change: c.1178C>A on transcript NM_000257.4 (MANE Select); coding-DNA position 1178, C replaced by A.
Protein change: p.Ala393Asp; replaces alanine 393 with aspartic acid.
Molecular consequence: missense variant.
Genome position (GRCh38, 1-based): chr14:23,429,308, G>T on the plus strand (C>A on the coding strand, the complement: MYH7 is on the minus strand). VCF-style: chr14-23429308-G-T. GRCh37 (hg19) VCF-style: chr14-23898517-G-T.
Other names: short protein forms A393D.
Identifiers: ClinVar variation 1315955 (VCV001315955.7), dbSNP rs869025477, ClinGen allele CA389051178.